The following is an entry in ClinVar:

NM_015915.5(ATL1):c.30T>C (p.Ser10=)

Genes: ATL1 (atlastin GTPase 1; plus strand), MAP4K5 (mitogen-activated protein kinase kinase kinase kinase 5; minus strand). Cytogenetic location: 14q22.1.
Variant type: single nucleotide variant.
Coding change: c.30T>C on transcript NM_015915.5 (MANE Select); coding-DNA position 30, T replaced by C.
Protein change: p.Ser10=; no amino-acid change (serine 10 retained).
Molecular consequence: synonymous variant.
Genome position (GRCh38, 1-based): chr14:50,560,295, T>C. VCF-style: chr14-50560295-T-C. GRCh37 (hg19) VCF-style: chr14-51027013-T-C.
Other names: c.30T>C, p.Ser10= (NM_001127713.1, NM_181598.4).
Identifiers: ClinVar variation 471249 (VCV000471249.17), dbSNP rs146613929, ClinGen allele CA7180147.

ClinVar aggregate classification (germline): Benign/Likely benign. Review status: criteria provided, multiple submitters, no conflicts (2 of 4 stars). 6 submissions from 5 submitters: Benign (4); Likely benign (2). Last evaluated 2025-12-08.

Conditions:
ATL1-related disorder. Also called: ATL1-related condition.
Inborn genetic diseases. Identifiers: MedGen C0950123, MeSH D030342.
Neuropathy, hereditary sensory, type 1D. Identifiers: Orphanet 36386, MedGen C3150972, MONDO:0013381, OMIM 613708.
Hereditary spastic paraplegia 3A (SPG3A). Also called: Spastic paraplegia 3A, autosomal dominant; SPASTIC PARAPLEGIA 3, AUTOSOMAL DOMINANT; FAMILIAL SPASTIC PARAPLEGIA, AUTOSOMAL DOMINANT, 1; SPG3; STRUMPELL DISEASE; Spastic Paraplegia 3A. Identifiers: Orphanet 100984, MedGen C2931355, MONDO:0008437, OMIM 182600.

Allele frequency attached by ClinVar (database versions not stated): gnomAD exomes 0.00008 and 0.00022; ExAC 0.00028; gnomAD 0.00066 and 0.00068; ESP Exome Variant Server 0.00069; TOPMed 0.00086; 1000 Genomes Project 0.00140; 1000 Genomes Project 30x 0.00156.
gnomAD v4.1: 220 of 1,613,762 alleles (0.014%); highest among the groups gnomAD compares: African/African-American, 0.24%; no homozygotes.

Submissions (6):

Labcorp Genetics (formerly Invitae), Labcorp
Classification: Benign for Hereditary spastic paraplegia 3A. Last evaluated: 2025-12-08. Review status: criteria provided, single submitter. Criteria: Invitae Variant Classification Sherloc (09022015). Collection method: clinical testing. Allele origin: germline.

PreventionGenetics, part of Exact Sciences
Classification: Likely benign for ATL1-related condition. Last evaluated: 2025-09-29. Review status: criteria provided, single submitter. Criteria: ACMG Guidelines, 2015. Collection method: clinical testing. Allele origin: germline.
Comment: This variant is classified as likely benign based on ACMG/AMP sequence variant interpretation guidelines (Richards et al. 2015 PMID: 25741868, with internal and published modifications).

Genome-Nilou Lab
Classification: Benign for Neuropathy, hereditary sensory, type 1D. Last evaluated: 2021-12-05. Review status: criteria provided, single submitter. Criteria: ACMG Guidelines, 2015. Collection method: clinical testing. Allele origin: germline. Affected: no.

Genome-Nilou Lab
Classification: Benign for Hereditary spastic paraplegia 3A. Last evaluated: 2021-12-05. Review status: criteria provided, single submitter. Criteria: ACMG Guidelines, 2015. Collection method: clinical testing. Allele origin: germline. Affected: no.

Athena Diagnostics
Classification: Benign. Last evaluated: 2020-11-25. Review status: criteria provided, single submitter. Criteria: Athena Diagnostics criteria. Collection method: clinical testing. Allele origin: unknown.

Ambry Genetics
Classification: Likely benign for Inborn genetic diseases. Last evaluated: 2019-07-11. Review status: criteria provided, single submitter. Criteria: Ambry Variant Classification Scheme 2023. Collection method: clinical testing. Allele origin: germline.